The following is an entry in ClinVar:

NM_001379110.1(SLC9A6):c.*1G>C

Gene: SLC9A6 (solute carrier family 9 member A6; plus strand). Cytogenetic location: Xq26.3.
Variant type: single nucleotide variant.
Coding change: c.*1G>C on transcript NM_001379110.1 (MANE Select); 1 bases downstream of the stop codon, G replaced by C.
Molecular consequence: 3 prime UTR variant.
Genome position (GRCh38, 1-based): chrX:136,044,725, G>C. VCF-style: chrX-136044725-G-C. GRCh37 (hg19) VCF-style: chrX-135126884-G-C.
Other names: c.*1G>C (NM_001042537.2, NM_001177651.2, NM_001330652.2 and 6 more transcripts).
Identifiers: ClinVar variation 2661497 (VCV002661497.24), dbSNP rs2521487076, ClinGen allele CA2579709957.

ClinVar aggregate classification (germline): Uncertain significance (1 of 4 stars; one submission).

Allele frequency attached by ClinVar (database versions not stated): gnomAD exomes below 0.00001.
gnomAD v4.1: 4 of 1,209,384 alleles (0.00033%); highest among the groups gnomAD compares: Non-Finnish European, 0.00045%; no homozygotes.

Submission:

CeGaT Center for Human Genetics Tuebingen
Classification: Uncertain significance. Last evaluated: 2022-04-01. Review status: criteria provided, single submitter. Criteria: CeGaT Center For Human Genetics Tuebingen Variant Classification Criteria Version 2. Collection method: clinical testing. Allele origin: germline. Affected: yes. Observed: 1 variant allele.
Comment: SLC9A6: PM2